The following is an entry in ClinVar:

NM_006514.4(SCN10A):c.1948A>G (p.Met650Val)

Gene: SCN10A (sodium voltage-gated channel alpha subunit 10; minus strand). Cytogenetic location: 3p22.2.
Variant type: single nucleotide variant.
Coding change: c.1948A>G on transcript NM_006514.4 (MANE Select); coding-DNA position 1948, A replaced by G.
Protein change: p.Met650Val; replaces methionine 650 with valine.
Molecular consequence: missense variant.
Genome position (GRCh38, 1-based): chr3:38,742,449, T>C on the plus strand (A>G on the coding strand, the complement: SCN10A is on the minus strand). VCF-style: chr3-38742449-T-C. GRCh37 (hg19) VCF-style: chr3-38783940-T-C.
Other names: c.1948A>G (NM_006514.2); c.1948A>G, p.Met650Val (NM_001293306.2); c.1654A>G, p.Met552Val (NM_001293307.2); short protein forms M650V, M552V.
Identifiers: ClinVar variation 1519621 (VCV001519621.7), dbSNP rs2126015152, ClinGen allele CA352165760.

ClinVar aggregate classification (germline): Uncertain significance. Review status: criteria provided, multiple submitters, no conflicts (2 of 4 stars). 2 submissions from 2 submitters: Uncertain significance (2). Last evaluated 2025-02-10.

Conditions:
Brugada syndrome. Also called: Sudden unexpected nocturnal death syndrome; Sudden unexplained nocturnal death syndrome; Sudden Unexplained Death Syndrome; Sudden Unexplained Nocturnal Death Syndrome (SUNDS). Identifiers: Orphanet 130, MedGen C1142166, MONDO:0015263.
Cardiovascular phenotype. Identifiers: MedGen CN230736.

Submissions (2):

Ambry Genetics
Classification: Uncertain significance for Cardiovascular phenotype. Last evaluated: 2025-02-10. Review status: criteria provided, single submitter. Criteria: Ambry Variant Classification Scheme 2023. Collection method: clinical testing. Allele origin: germline.
Comment: The p.M650V variant (also known as c.1948A>G), located in coding exon 13 of the SCN10A gene, results from an A to G substitution at nucleotide position 1948. The methionine at codon 650 is replaced by valine, an amino acid with highly similar properties. This amino acid position is conserved. In addition, this alteration is predicted to be tolerated by in silico analysis. Based on the available evidence, the clinical significance of this variant remains unclear.

Labcorp Genetics (formerly Invitae), Labcorp
Classification: Uncertain significance for Brugada syndrome. Last evaluated: 2021-10-15. Review status: criteria provided, single submitter. Criteria: Invitae Variant Classification Sherloc (09022015). Collection method: clinical testing. Allele origin: germline.
Comment: In summary, the available evidence is currently insufficient to determine the role of this variant in disease. Therefore, it has been classified as a Variant of Uncertain Significance. Advanced modeling of protein sequence and biophysical properties (such as structural, functional, and spatial information, amino acid conservation, physicochemical variation, residue mobility, and thermodynamic stability) performed at Invitae indicates that this missense variant is not expected to disrupt SCN10A protein function. This variant has not been reported in the literature in individuals affected with SCN10A-related conditions. This variant is not present in population databases (ExAC no frequency). This sequence change replaces methionine with valine at codon 650 of the SCN10A protein (p.Met650Val). The methionine residue is weakly conserved and there is a small physicochemical difference between methionine and valine.